The following is an entry in ClinVar:

ClinVar aggregate classification (germline): Uncertain significance (1 of 4 stars; one submission).

Submission:

Women's Health and Genetics/Laboratory Corporation of America, LabCorp
Classification: Uncertain significance. Last evaluated: 2026-06-09. Review status: criteria provided, single submitter. Criteria: LabCorp Variant Classification Summary - May 2015. Collection method: clinical testing. Allele origin: germline.
Comment: Variant summary: SLC39A13 c.730A>C (p.Lys244Gln) results in a conservative amino acid change in the encoded protein sequence. Algorithms developed to predict the effect of missense changes on protein structure and function are either unavailable or do not agree on the potential impact of this missense change. The variant was absent in 250274 control chromosomes. The available data on variant occurrences in the general population are insufficient to allow any conclusion about variant significance. To our knowledge, no occurrence of c.730A>C in individuals affected with SLC39A13-related conditions and no experimental evidence demonstrating its impact on protein function have been reported. No submitters have cited clinical-significance assessments for this variant to ClinVar. Based on the evidence outlined above, the variant was classified as uncertain significance.

NM_001128225.3(SLC39A13):c.730A>C (p.Lys244Gln)

Gene: SLC39A13 (solute carrier family 39 member 13; plus strand). Cytogenetic location: 11p11.2.
Variant type: single nucleotide variant.
Coding change: c.730A>C on transcript NM_001128225.3 (MANE Select); coding-DNA position 730, A replaced by C.
Protein change: p.Lys244Gln; replaces lysine 244 with glutamine.
Molecular consequence: missense variant. On other transcripts: non-coding transcript variant (1), intron variant (2).
Genome position (GRCh38, 1-based): chr11:47,413,681, A>C. VCF-style: chr11-47413681-A-C. GRCh37 (hg19) VCF-style: chr11-47435232-A-C.
Other names: c.730A>C, p.Lys244Gln (NM_001330245.2, NM_001441271.1, NM_152264.5); c.622A>C, p.Lys208Gln (NM_001441272.1, NM_001441275.1, NM_001441276.1); c.645+174A>C (NM_001441273.1); c.538-744A>C (NM_001441274.1); short protein forms K208Q, K244Q.
Identifiers: ClinVar variation 4887395 (VCV004887395.1).